The following is an entry in ClinVar:

ClinVar aggregate classification (germline): Uncertain significance (1 of 4 stars; one submission).

Submission:

Labcorp Genetics (formerly Invitae), Labcorp
Classification: Uncertain significance. Last evaluated: 2021-04-14. Review status: criteria provided, single submitter. Criteria: Invitae Variant Classification Sherloc (09022015). Collection method: clinical testing. Allele origin: germline.
Comment: This variant is not present in population databases (ExAC no frequency). In summary, the available evidence is currently insufficient to determine the role of this variant in disease. Therefore, it has been classified as a Variant of Uncertain Significance. Algorithms developed to predict the effect of missense changes on protein structure and function are either unavailable or do not agree on the potential impact of this missense change (SIFT: "Deleterious"; PolyPhen-2: "Benign"; Align-GVGD: "Class C0"). This variant has not been reported in the literature in individuals with PLOD3-related conditions. This sequence change replaces tryptophan with arginine at codon 347 of the PLOD3 protein (p.Trp347Arg). The tryptophan residue is moderately conserved and there is a moderate physicochemical difference between tryptophan and arginine.

NM_001084.5(PLOD3):c.1039T>C (p.Trp347Arg)

Gene: PLOD3 (procollagen-lysine,2-oxoglutarate 5-dioxygenase 3; minus strand). Cytogenetic location: 7q22.1.
Variant type: single nucleotide variant.
Coding change: c.1039T>C on transcript NM_001084.5 (MANE Select); coding-DNA position 1039, T replaced by C.
Protein change: p.Trp347Arg; replaces tryptophan 347 with arginine.
Molecular consequence: missense variant.
Genome position (GRCh38, 1-based): chr7:101,212,341, A>G on the plus strand (T>C on the coding strand, the complement: PLOD3 is on the minus strand). VCF-style: chr7-101212341-A-G. GRCh37 (hg19) VCF-style: chr7-100855622-A-G.
Other names: short protein forms W347R.
Identifiers: ClinVar variation 1497661 (VCV001497661.8), dbSNP rs2116804208, ClinGen allele CA368618947.